The following is an entry in ClinVar:

ClinVar aggregate classification (germline): Uncertain significance (1 of 4 stars; one submission).

Conditions:
Infantile-onset ascending hereditary spastic paralysis (IAHSP). Also called: Autosomal Recessive Juvenile Amyotrophic Lateral Sclerosis; Infantile-Onset Ascending Hereditary Spastic Paralysis (IAHSP). Identifiers: Orphanet 293168, MedGen C2931441, MONDO:0011797, OMIM 607225. Disease mechanism: loss of function.

Submission:

Labcorp Genetics (formerly Invitae), Labcorp
Classification: Uncertain significance for Infantile-onset ascending hereditary spastic paralysis. Last evaluated: 2022-08-06. Review status: criteria provided, single submitter. Criteria: Invitae Variant Classification Sherloc (09022015). Collection method: clinical testing. Allele origin: germline.
Comment: In summary, the available evidence is currently insufficient to determine the role of this variant in disease. Therefore, it has been classified as a Variant of Uncertain Significance. Algorithms developed to predict the effect of missense changes on protein structure and function are either unavailable or do not agree on the potential impact of this missense change (SIFT: "Tolerated"; PolyPhen-2: "Possibly Damaging"; Align-GVGD: "Class C0"). This variant has not been reported in the literature in individuals affected with ALS2-related conditions. This variant is not present in population databases (gnomAD no frequency). This sequence change replaces glutamic acid, which is acidic and polar, with lysine, which is basic and polar, at codon 472 of the ALS2 protein (p.Glu472Lys).

NM_020919.4(ALS2):c.1414G>A (p.Glu472Lys)

Gene: ALS2 (alsin Rho guanine nucleotide exchange factor ALS2; minus strand). Cytogenetic location: 2q33.1.
Variant type: single nucleotide variant.
Coding change: c.1414G>A on transcript NM_020919.4 (MANE Select); coding-DNA position 1414, G replaced by A.
Protein change: p.Glu472Lys; replaces glutamic acid 472 with lysine.
Molecular consequence: missense variant.
Genome position (GRCh38, 1-based): chr2:201,757,459, C>T on the plus strand (G>A on the coding strand, the complement: ALS2 is on the minus strand). VCF-style: chr2-201757459-C-T. GRCh37 (hg19) VCF-style: chr2-202622182-C-T.
Other names: c.1414G>A, p.Glu472Lys (NM_001410975.1); short protein forms E472K.
Identifiers: ClinVar variation 1978381 (VCV001978381.4), dbSNP rs2469899226, ClinGen allele CA350326571.